The following is an entry in ClinVar:

ClinVar aggregate classification (germline): Uncertain significance. Review status: criteria provided, multiple submitters, no conflicts (2 of 4 stars). 2 submissions from 2 submitters: Uncertain significance (2). Last evaluated 2025-12-16.

Conditions:
Familial thoracic aortic aneurysm and aortic dissection (TAAD). Also called: Thoracic aortic aneurysms and dissections. Identifiers: Orphanet 91387, MedGen C4707243, MONDO:0019625.
Ehlers-Danlos syndrome, classic type, 1 (EDSCL1). Also called: Ehlers-Danlos Syndrome, Classic Type, COL5A1-Related; EHLERS-DANLOS SYNDROME, GRAVIS TYPE; EHLERS-DANLOS SYNDROME, SEVERE CLASSIC TYPE; Ehlers-Danlos syndrome, type 1; EDS I. Identifiers: MedGen C0268335, MONDO:0019567, OMIM 130000.

Allele frequency attached by ClinVar (database versions not stated): gnomAD 0.00001; TOPMed 0.00003.
gnomAD v4.1: 4 of 1,613,952 alleles (0.00025%); highest among the groups gnomAD compares: Admixed American, 0.0033%; no homozygotes.

Submissions (2):

Ambry Genetics
Classification: Uncertain significance for Familial thoracic aortic aneurysm and aortic dissection. Last evaluated: 2025-12-16. Review status: criteria provided, single submitter. Criteria: Ambry Variant Classification Scheme 2023. Collection method: clinical testing. Allele origin: germline.

Labcorp Genetics (formerly Invitae), Labcorp
Classification: Uncertain significance for Ehlers-Danlos syndrome, classic type, 1. Last evaluated: 2025-03-12. Review status: criteria provided, single submitter. Criteria: Invitae Variant Classification Sherloc (09022015). Collection method: clinical testing. Allele origin: germline.
Comment: This sequence change replaces glycine, which is neutral and non-polar, with valine, which is neutral and non-polar, at codon 810 of the COL5A2 protein (p.Gly810Val). This variant is not present in population databases (gnomAD no frequency). This variant has not been reported in the literature in individuals affected with COL5A2-related conditions. ClinVar contains an entry for this variant (Variation ID: 2146804). Invitae Evidence Modeling of protein sequence and biophysical properties (such as structural, functional, and spatial information, amino acid conservation, physicochemical variation, residue mobility, and thermodynamic stability) indicates that this missense variant is expected to disrupt COL5A2 protein function with a positive predictive value of 80%. In summary, the available evidence is currently insufficient to determine the role of this variant in disease. Therefore, it has been classified as a Variant of Uncertain Significance.

NM_000393.5(COL5A2):c.2429G>T (p.Gly810Val)

Gene: COL5A2 (collagen type V alpha 2 chain; minus strand). Cytogenetic location: 2q32.2.
Variant type: single nucleotide variant.
Coding change: c.2429G>T on transcript NM_000393.5 (MANE Select); coding-DNA position 2429, G replaced by T.
Protein change: p.Gly810Val; replaces glycine 810 with valine.
Molecular consequence: missense variant.
Genome position (GRCh38, 1-based): chr2:189,054,175, C>A on the plus strand (G>T on the coding strand, the complement: COL5A2 is on the minus strand). VCF-style: chr2-189054175-C-A. GRCh37 (hg19) VCF-style: chr2-189918901-C-A.
Other names: c.2429G>T (NM_000393.3); short protein forms G810V.
Identifiers: ClinVar variation 2146804 (VCV002146804.5), dbSNP rs1685852326, ClinGen allele CA349872503.